The following is an entry in ClinVar:

ClinVar aggregate classification (germline): Pathogenic (1 of 4 stars; one submission).

Conditions:
Ehlers-Danlos syndrome, classic type, 1 (EDSCL1). Also called: EHLERS-DANLOS SYNDROME, GRAVIS TYPE; EHLERS-DANLOS SYNDROME, SEVERE CLASSIC TYPE; Ehlers-Danlos syndrome, type 1; EDS I; Ehlers-Danlos Syndrome, Classic Type, COL5A1-Related. Identifiers: MedGen C0268335, MONDO:0019567, OMIM 130000.
Osteogenesis imperfecta type I (OI1). Also called: OI, TYPE I; OSTEOGENESIS IMPERFECTA TARDA; OSTEOGENESIS IMPERFECTA WITH BLUE SCLERAE; Osteogenesis imperfecta type 1; Lobstein's Disease; Lobstein disease. Identifiers: Orphanet 216796, Orphanet 666, MedGen C0023931, MONDO:0008146, OMIM 166200. Disease mechanism: loss of function.

Submission:

Labcorp Genetics (formerly Invitae), Labcorp
Classification: Pathogenic for Osteogenesis imperfecta type I; Ehlers-Danlos syndrome, classic type, 1. Last evaluated: 2023-07-10. Review status: criteria provided, single submitter. Criteria: Invitae Variant Classification Sherloc (09022015). Collection method: clinical testing. Allele origin: germline.
Comment: This sequence change replaces glycine, which is neutral and non-polar, with valine, which is neutral and non-polar, at codon 310 of the COL1A2 protein (p.Gly310Val). This variant is not present in population databases (gnomAD no frequency). This missense change has been observed in individual(s) with osteogenesis imperfecta type 3 (Invitae). ClinVar contains an entry for this variant (Variation ID: 2023468). Advanced modeling of protein sequence and biophysical properties (such as structural, functional, and spatial information, amino acid conservation, physicochemical variation, residue mobility, and thermodynamic stability) performed at Invitae indicates that this missense variant is expected to disrupt COL1A2 protein function. This variant disrupts the triple helix domain of COL1A2. Glycine residues within the Gly-Xaa-Yaa repeats of the triple helix domain are required for the structure and stability of fibrillar collagens (PMID: 7695699, 8218237, 19344236). In COL1A2, variants affecting these glycine residues are significantly enriched in individuals with disease (PMID: 9016532, 17078022) compared to the general population (ExAC). This variant disrupts the p.Gly310 amino acid residue in COL1A2. Other variant(s) that disrupt this residue have been observed in individuals with COL1A2-related conditions (PMID: 17078022, 30715774; Invitae), which suggests that this may be a clinically significant amino acid residue. For these reasons, this variant has been classified as Pathogenic.

Literature cited by the submitters: PubMed 7695699; PubMed 8218237; PubMed 19344236; PubMed 9016532; PubMed 17078022; PubMed 30715774.

NM_000089.4(COL1A2):c.929G>T (p.Gly310Val)

Gene: COL1A2 (collagen type I alpha 2 chain; plus strand). Cytogenetic location: 7q21.3.
Variant type: single nucleotide variant.
Coding change: c.929G>T on transcript NM_000089.4 (MANE Select); coding-DNA position 929, G replaced by T.
Protein change: p.Gly310Val; replaces glycine 310 with valine.
Molecular consequence: missense variant.
Genome position (GRCh38, 1-based): chr7:94,409,601, G>T. VCF-style: chr7-94409601-G-T. GRCh37 (hg19) VCF-style: chr7-94038913-G-T.
Other names: short protein forms G310V.
Identifiers: ClinVar variation 2023468 (VCV002023468.4), dbSNP rs2484708037, ClinGen allele CA368220806.